The following is an entry in ClinVar:

ClinVar aggregate classification (germline): Uncertain significance. Review status: criteria provided, multiple submitters, no conflicts (2 of 4 stars). 2 submissions from 2 submitters: Uncertain significance (2). Last evaluated 2026-07-06.

Conditions:
Familial adenomatous polyposis 1 (FAP1). Also called: POLYPOSIS, ADENOMATOUS INTESTINAL; FAMILIAL ADENOMATOUS POLYPOSIS 1, ATTENUATED. Identifiers: MedGen C2713442, MONDO:0021056, OMIM 175100. Disease mechanism: loss of function.
Hereditary cancer-predisposing syndrome. Also called: Hereditary Cancer Syndrome; Hereditary neoplastic syndrome; Neoplastic Syndromes, Hereditary; Tumor predisposition. Identifiers: Orphanet 140162, MedGen C0027672, MeSH D009386, MONDO:0015356.

Submissions (2):

Ambry Genetics
Classification: Uncertain significance for Hereditary cancer-predisposing syndrome. Last evaluated: 2026-07-06. Review status: criteria provided, single submitter. Criteria: Ambry Variant Classification Scheme 2023. Collection method: clinical testing. Allele origin: germline.
Comment: The p.A1839V variant (also known as c.5516C>T), located in coding exon 15 of the APC gene, results from a C to T substitution at nucleotide position 5516. The alanine at codon 1839 is replaced by valine, an amino acid with similar properties. This amino acid position is conserved. In addition, in silico predictors for this gene do not accurately predict pathogenicity. Based on the available evidence, the clinical significance of this variant remains unclear.

Labcorp Genetics (formerly Invitae), Labcorp
Classification: Uncertain significance for Familial adenomatous polyposis 1. Last evaluated: 2023-08-03. Review status: criteria provided, single submitter. Criteria: Invitae Variant Classification Sherloc (09022015). Collection method: clinical testing. Allele origin: germline.
Comment: In summary, the available evidence is currently insufficient to determine the role of this variant in disease. Therefore, it has been classified as a Variant of Uncertain Significance. Advanced modeling of protein sequence and biophysical properties (such as structural, functional, and spatial information, amino acid conservation, physicochemical variation, residue mobility, and thermodynamic stability) performed at Invitae indicates that this missense variant is not expected to disrupt APC protein function. This variant has not been reported in the literature in individuals affected with APC-related conditions. This variant is not present in population databases (gnomAD no frequency). This sequence change replaces alanine, which is neutral and non-polar, with valine, which is neutral and non-polar, at codon 1839 of the APC protein (p.Ala1839Val).

NM_000038.6(APC):c.5516C>T (p.Ala1839Val)

Gene: APC (APC regulator of Wnt signaling pathway; plus strand). Cytogenetic location: 5q22.2.
Variant type: single nucleotide variant.
Coding change: c.5516C>T on transcript NM_000038.6 (MANE Select); coding-DNA position 5516, C replaced by T.
Protein change: p.Ala1839Val; replaces alanine 1839 with valine.
Molecular consequence: missense variant. On other transcripts: non-coding transcript variant (2).
Genome position (GRCh38, 1-based): chr5:112,841,110, C>T. VCF-style: chr5-112841110-C-T. GRCh37 (hg19) VCF-style: chr5-112176807-C-T.
Other names: c.5516C>T, p.Ala1839Val (NM_001127510.3, NM_001354895.2, NM_001407450.1); c.5462C>T, p.Ala1821Val (NM_001127511.3); c.5570C>T, p.Ala1857Val (NM_001354896.2, NM_001407447.1, NM_001407448.1 and 1 more transcripts); c.5546C>T, p.Ala1849Val (NM_001354897.2); c.5441C>T, p.Ala1814Val (NM_001354898.2); c.5432C>T, p.Ala1811Val (NM_001354899.2); c.5393C>T, p.Ala1798Val (NM_001354900.2); c.5339C>T, p.Ala1780Val (NM_001354901.2, NM_001407453.1); and 12 more; short protein forms A1455V, A1710V, A1821V, A1780V, A1798V, A1811V, A1556V, A1679V.
Identifiers: ClinVar variation 2717629 (VCV002717629.4), dbSNP rs2149942171, ClinGen allele CA16033402.